The following is an entry in ClinVar:

NM_152703.5(SAMD9L):c.1162G>T (p.Ala388Ser)

Gene: SAMD9L (sterile alpha motif domain containing 9 like; minus strand). Cytogenetic location: 7q21.2.
Variant type: single nucleotide variant.
Coding change: c.1162G>T on transcript NM_152703.5 (MANE Select); coding-DNA position 1162, G replaced by T.
Protein change: p.Ala388Ser; replaces alanine 388 with serine.
Molecular consequence: missense variant.
Genome position (GRCh38, 1-based): chr7:93,134,810, C>A on the plus strand (G>T on the coding strand, the complement: SAMD9L is on the minus strand). VCF-style: chr7-93134810-C-A. GRCh37 (hg19) VCF-style: chr7-92764123-C-A.
Other names: c.1162G>T (NM_152703.2); c.1162G>T, p.Ala388Ser (NM_001303496.3, NM_001303497.3, NM_001303498.3 and 5 more transcripts); short protein forms A388S.
Identifiers: ClinVar variation 2807814 (VCV002807814.4), dbSNP rs2535430777, ClinGen allele CA368198484.

ClinVar aggregate classification (germline): Uncertain significance. Review status: criteria provided, multiple submitters, no conflicts (2 of 4 stars). 2 submissions from 2 submitters: Uncertain significance (2). Last evaluated 2025-08-10.

Conditions:
Inborn genetic diseases. Identifiers: MedGen C0950123, MeSH D030342.

Submissions (2):

Ambry Genetics
Classification: Uncertain significance for Inborn genetic diseases. Last evaluated: 2025-08-10. Review status: criteria provided, single submitter. Criteria: Ambry Variant Classification Scheme 2023. Collection method: clinical testing. Allele origin: germline.
Comment: The p.A388S variant (also known as c.1162G>T), located in coding exon 1 of the SAMD9L gene, results from a G to T substitution at nucleotide position 1162. The alanine at codon 388 is replaced by serine, an amino acid with similar properties. This amino acid position is conserved. In addition, this alteration is predicted to be tolerated by in silico analysis. Based on the available evidence, the clinical significance of this variant remains unclear.

Labcorp Genetics (formerly Invitae), Labcorp
Classification: Uncertain significance. Last evaluated: 2023-12-23. Review status: criteria provided, single submitter. Criteria: Invitae Variant Classification Sherloc (09022015). Collection method: clinical testing. Allele origin: germline.
Comment: This sequence change replaces alanine, which is neutral and non-polar, with serine, which is neutral and polar, at codon 388 of the SAMD9L protein (p.Ala388Ser). This variant is not present in population databases (gnomAD no frequency). This variant has not been reported in the literature in individuals affected with SAMD9L-related conditions. Advanced modeling of protein sequence and biophysical properties (such as structural, functional, and spatial information, amino acid conservation, physicochemical variation, residue mobility, and thermodynamic stability) performed at Invitae indicates that this missense variant is not expected to disrupt SAMD9L protein function with a negative predictive value of 80%. In summary, the available evidence is currently insufficient to determine the role of this variant in disease. Therefore, it has been classified as a Variant of Uncertain Significance.